The following is an entry in ClinVar:

ClinVar aggregate classification (germline): Uncertain significance. Review status: criteria provided, multiple submitters, no conflicts (2 of 4 stars). 3 submissions from 3 submitters: Uncertain significance (3). Last evaluated 2024-09-08.

Conditions:
Inborn genetic diseases. Identifiers: MedGen C0950123, MeSH D030342.
Joubert syndrome 14 (JBTS14). Identifiers: MedGen C3280766, MONDO:0013745, OMIM 614424.

Allele frequency attached by ClinVar (database versions not stated): TOPMed 0.00002; gnomAD 0.00003 and 0.00004; gnomAD exomes 0.00003; ExAC 0.00007; ESP Exome Variant Server 0.00008.
gnomAD v4.1: 53 of 1,598,030 alleles (0.0033%); highest among the groups gnomAD compares: East Asian, 0.018%; no homozygotes.

Submissions (3):

Ambry Genetics
Classification: Uncertain significance for Inborn genetic diseases. Last evaluated: 2024-09-08. Review status: criteria provided, single submitter. Criteria: Ambry Variant Classification Scheme 2023. Collection method: clinical testing. Allele origin: germline.

Fulgent Genetics
Classification: Uncertain significance for Joubert syndrome 14. Last evaluated: 2024-03-19. Review status: criteria provided, single submitter. Criteria: ACMG Guidelines, 2015. Collection method: clinical testing. Allele origin: germline.

Labcorp Genetics (formerly Invitae), Labcorp
Classification: Uncertain significance for Joubert syndrome 14. Last evaluated: 2022-02-09. Review status: criteria provided, single submitter. Criteria: Invitae Variant Classification Sherloc (09022015). Collection method: clinical testing. Allele origin: germline.
Comment: This sequence change replaces arginine, which is basic and polar, with tryptophan, which is neutral and slightly polar, at codon 128 of the TMEM237 protein (p.Arg128Trp). The frequency data for this variant in the population databases is considered unreliable, as metrics indicate poor data quality at this position in the gnomAD database. This variant has not been reported in the literature in individuals affected with TMEM237-related conditions. ClinVar contains an entry for this variant (Variation ID: 845896). Algorithms developed to predict the effect of missense changes on protein structure and function (SIFT, PolyPhen-2, Align-GVGD) all suggest that this variant is likely to be disruptive. In summary, the available evidence is currently insufficient to determine the role of this variant in disease. Therefore, it has been classified as a Variant of Uncertain Significance.

NM_001044385.3(TMEM237):c.382C>T (p.Arg128Trp)

Gene: TMEM237 (transmembrane protein 237; minus strand). Cytogenetic location: 2q33.1.
Variant type: single nucleotide variant.
Coding change: c.382C>T on transcript NM_001044385.3 (MANE Select); coding-DNA position 382, C replaced by T.
Protein change: p.Arg128Trp; replaces arginine 128 with tryptophan.
Molecular consequence: missense variant.
Genome position (GRCh38, 1-based): chr2:201,633,324, G>A on the plus strand (C>T on the coding strand, the complement: TMEM237 is on the minus strand). VCF-style: chr2-201633324-G-A. GRCh37 (hg19) VCF-style: chr2-202498047-G-A.
Other names: c.358C>T, p.Arg120Trp (NM_152388.4); c.382C>T (NM_001044385.1); short protein forms R120W, R128W.
Identifiers: ClinVar variation 845896 (VCV000845896.11), dbSNP rs370790275, ClinGen allele CA2056510.